The following is an entry in ClinVar:

ClinVar aggregate classification (germline): Uncertain significance. Review status: criteria provided, single submitter (1 of 4 stars). 2 submissions from 2 submitters: Uncertain significance (1). 1 of the submissions does not count toward it. Last evaluated 2025-08-19.

Conditions:
TNS1-related disorder. Also called: TNS1-related condition.

Allele frequency attached by ClinVar (database versions not stated): TOPMed 0.00008; gnomAD 0.00038; gnomAD exomes 0.00054; ExAC 0.00149; 1000 Genomes Project 30x 0.00359; 1000 Genomes Project 0.00399.
gnomAD v4.1: 799 of 1,512,792 alleles (0.053%); highest among the groups gnomAD compares: South Asian, 0.96%; 11 homozygotes.

Submissions (2):

Ambry Genetics
Classification: Uncertain significance. Last evaluated: 2025-08-19. Review status: criteria provided, single submitter. Criteria: Ambry Variant Classification Scheme 2023. Collection method: clinical testing. Allele origin: germline.

PreventionGenetics, part of Exact Sciences
Classification: Benign for TNS1-related condition. Last evaluated: 2019-05-14. Review status: no assertion criteria provided. Collection method: clinical testing. Allele origin: germline. Not counted in ClinVar's aggregate classification.
Comment: This variant is classified as benign based on ACMG/AMP sequence variant interpretation guidelines (Richards et al. 2015 PMID: 25741868, with internal and published modifications).

NM_001387777.1(TNS1):c.3283C>T (p.Arg1095Trp)

Gene: TNS1 (tensin 1; minus strand). Cytogenetic location: 2q35.
Variant type: single nucleotide variant.
Coding change: c.3283C>T on transcript NM_001387777.1 (MANE Select); coding-DNA position 3283, C replaced by T.
Protein change: p.Arg1095Trp; replaces arginine 1095 with tryptophan.
Molecular consequence: missense variant.
Genome position (GRCh38, 1-based): chr2:217,831,545, G>A on the plus strand (C>T on the coding strand, the complement: TNS1 is on the minus strand). VCF-style: chr2-217831545-G-A. GRCh37 (hg19) VCF-style: chr2-218696268-G-A.
Other names: c.2908C>T, p.Arg970Trp (NM_001308022.2, NM_001308023.2, NM_022648.7); c.2908C>T (NM_022648.4); short protein forms R1095W, R970W.
Identifiers: ClinVar variation 3041984 (VCV003041984.3), dbSNP rs542492773, ClinGen allele CA2099971.